The following is an entry in ClinVar:

ClinVar aggregate classification (germline): Likely pathogenic (1 of 4 stars; one submission).

Conditions:
Epidermolysis bullosa dystrophica. Also called: Dystrophic epidermolysis bullosa, Hallopeau-Siemens type (formerly); Dystrophic epidermolysis bullosa. Identifiers: Orphanet 303, MedGen C0079294, MONDO:0006543.

gnomAD v4.1: 3 of 1,552,404 alleles (0.00019%); highest among the groups gnomAD compares: Admixed American, 0.0019%; no homozygotes.

Submission:

Natera, Inc.
Classification: Likely pathogenic for Dystrophic epidermolysis bullosa. Last evaluated: 2024-08-03. Review status: criteria provided, single submitter. Criteria: Natera Variant Classification Schema (03/2026). Collection method: clinical testing. Allele origin: germline.
Comment: The c.64C>T variant in COL7A1 is a nonsense variant predicted to introduce a stop codon at amino acid 22. This variant is expected to result in nonsense mediated decay, truncation, or a dysfunctional protein product. This variant is rare in the general population with a frequency below the threshold expected for the associated phenotype(s). Given the available evidence, this variant is classified as Likely Pathogenic.

NM_000094.4(COL7A1):c.64C>T (p.Arg22Ter)

Gene: COL7A1 (collagen type VII alpha 1 chain; minus strand). Cytogenetic location: 3p21.31.
Variant type: single nucleotide variant.
Coding change: c.64C>T on transcript NM_000094.4 (MANE Select); coding-DNA position 64, C replaced by T.
Protein change: p.Arg22Ter; replaces arginine 22 with a stop codon.
Molecular consequence: nonsense.
Genome position (GRCh38, 1-based): chr3:48,595,096, G>A on the plus strand (C>T on the coding strand, the complement: COL7A1 is on the minus strand). VCF-style: chr3-48595096-G-A. GRCh37 (hg19) VCF-style: chr3-48632529-G-A.
Other names: short protein forms R22*.
Identifiers: ClinVar variation 4817391 (VCV004817391.1).
Genomic context (GRCh38, chr3:48,595,096, plus strand): 5'-TGCAGTGCCCCGGGCCGGGTCCTCCCTTGCGGTGCCCACCTCTCTCCCTGTGCTGGGCTC[G>A]CACTCGGGGCGCCTCTGCCAGGATCCCGGCGCAGAGCGCGGCCACCAGAAGCCGCAGCGT-3'